The following is an entry in ClinVar:

ClinVar aggregate classification (germline): Uncertain significance. Review status: criteria provided, multiple submitters, no conflicts (2 of 4 stars). 2 submissions from 2 submitters: Uncertain significance (2). Last evaluated 2024-11-23.

Conditions:
Dyskeratosis congenita, autosomal recessive 5 (DKCB5). Identifiers: MedGen C3554656, MONDO:0014076, OMIM 615190.
Pulmonary fibrosis and/or bone marrow failure, Telomere-related, 3. Also called: PULMONARY FIBROSIS AND/OR BONE MARROW FAILURE SYNDROME, TELOMERE-RELATED, 3. Identifiers: Orphanet 2032, MedGen C4225346, MONDO:0014613, OMIM 616373.
Inborn genetic diseases. Identifiers: MedGen C0950123, MeSH D030342.

Submissions (2):

Ambry Genetics
Classification: Uncertain significance for Inborn genetic diseases. Last evaluated: 2024-11-23. Review status: criteria provided, single submitter. Criteria: Ambry Variant Classification Scheme 2023. Collection method: clinical testing. Allele origin: germline.
Comment: The p.V1193G variant (also known as c.3578T>G), located in coding exon 33 of the RTEL1 gene, results from a T to G substitution at nucleotide position 3578. The valine at codon 1193 is replaced by glycine, an amino acid with dissimilar properties. This amino acid position is conserved. In addition, this alteration is predicted to be tolerated by in silico analysis. Based on the available evidence, the clinical significance of this variant remains unclear.

Labcorp Genetics (formerly Invitae), Labcorp
Classification: Uncertain significance for Dyskeratosis congenita, autosomal recessive 5; Pulmonary fibrosis and/or bone marrow failure, Telomere-related, 3. Last evaluated: 2024-08-13. Review status: criteria provided, single submitter. Criteria: Invitae Variant Classification Sherloc (09022015). Collection method: clinical testing. Allele origin: germline.
Comment: This sequence change replaces valine, which is neutral and non-polar, with glycine, which is neutral and non-polar, at codon 1193 of the RTEL1 protein (p.Val1193Gly). This variant is not present in population databases (gnomAD no frequency). This variant has not been reported in the literature in individuals affected with RTEL1-related conditions. An algorithm developed to predict the effect of missense changes on protein structure and function outputs the following: PolyPhen-2: "Benign". The glycine amino acid residue is found in multiple mammalian species, which suggests that this missense change does not adversely affect protein function. In summary, the available evidence is currently insufficient to determine the role of this variant in disease. Therefore, it has been classified as a Variant of Uncertain Significance.

NM_001283009.2(RTEL1):c.3578T>G (p.Val1193Gly)

Genes: RTEL1 (regulator of telomere elongation helicase 1; plus strand), RTEL1-TNFRSF6B (RTEL1-TNFRSF6B readthrough (NMD candidate); plus strand). Cytogenetic location: 20q13.33.
Variant type: single nucleotide variant.
Coding change: c.3578T>G on transcript NM_001283009.2 (MANE Select); coding-DNA position 3578, T replaced by G.
Protein change: p.Val1193Gly; replaces valine 1193 with glycine.
Molecular consequence: missense variant. On other transcripts: non-coding transcript variant (1).
Genome position (GRCh38, 1-based): chr20:63,695,406, T>G. VCF-style: chr20-63695406-T-G. GRCh37 (hg19) VCF-style: chr20-62326759-T-G.
Other names: c.2909T>G, p.Val970Gly (NM_001283010.1); c.3578T>G, p.Val1193Gly (NM_016434.4); c.3650T>G, p.Val1217Gly (NM_032957.5); short protein forms V1193G, V970G, V1217G.
Identifiers: ClinVar variation 3435960 (VCV003435960.3).